The following is an entry in ClinVar:

ClinVar aggregate classification (germline): Pathogenic. Review status: reviewed by expert panel (3 of 4 stars). 2 submissions from 2 submitters: Pathogenic (1). 1 of the submissions does not count toward it. Last evaluated 2025-12-10.

Conditions:
Deficiency of guanidinoacetate methyltransferase (CCDS2). Also called: GAMT DEFICIENCY; Guanidinoacetate Methyltransferase (GAMT) Deficiency; CEREBRAL CREATINE DEFICIENCY SYNDROME 2. Identifiers: Orphanet 382, MedGen C0574080, MONDO:0012999, OMIM 612736.
Cerebral creatine deficiency syndrome. Also called: Creatine deficiency syndromes. Identifiers: Orphanet 79172, MedGen C5244016, MONDO:0000456.

Submissions (2):

ClinGen Cerebral Creatine Deficiency Syndromes Variant Curation Expert Panel, ClinGen
Classification: Pathogenic for Deficiency of guanidinoacetate methyltransferase. Last evaluated: 2025-12-10. Review status: reviewed by expert panel. Criteria: ClinGen CCDS ACMG Specifications GAMT V2.0.0. Collection method: curation. Allele origin: germline. Inheritance: Autosomal recessive inheritance.
Comment: The NM_000156.6:c.152A>C variant in GAMT is a missense variant that is predicted to result in the substitution of histidine by proline at amino acid 51 (p.His51Pro). This individual had elevated guanidinoacetate in urine and, on MRS, creatine peak was partially absent and guanidinoacetate peak was absent (PMID: 15108290, 24415674) (PP4_Strong). This individual is compound heterozygous for the variant and another variant in GAMT that has been classified as pathogenic by the ClinGen CCDS VCEP, c.526dupG. The variants were confirmed to be in trans by parental testing (PM3). The variant is absent in gnomAD v4.1.0. (PM2_Supporting). When the variant was expressed in a primary GAMT-deficient human fibroblast cell line, no detectable expression could be seen on Western blot and the GAMT activity was very low (<4%) (PMID 24415674) (PS3_Supporting). The computational predictor REVEL gives a score of 0.814 which is in the range of 0.773-0.932, evidence that correlates with impact to GAMT function at the moderate level (PMID: 36413997) (PP3_Moderate). There is a ClinVar entry for this variant (Variation ID: 2138184). In summary, this variant meets the criteria to be classified as pathogenic for GAMT deficiency. GAMT-specific ACMG/AMP criteria met, based on the specifications of the ClinGen Cerebral Creatine Deficiencies Variant Curation Expert Panel (Specifications Version 2.0.0): PP4_Strong, PM3, PP3_Moderate, PS3_Supporting, PM2_Supporting. (Classification approved by the ClinGen Cerebral Creatine Deficiency Syndromes Variant Curation Expert Panel on December 10, 2025)

Labcorp Genetics (formerly Invitae), Labcorp
Classification: Uncertain significance for Cerebral creatine deficiency syndrome. Last evaluated: 2022-10-14. Review status: criteria provided, single submitter. Criteria: Invitae Variant Classification Sherloc (09022015). Collection method: clinical testing. Allele origin: germline. Not counted in ClinVar's aggregate classification.
Comment: This sequence change replaces histidine, which is basic and polar, with proline, which is neutral and non-polar, at codon 51 of the GAMT protein (p.His51Pro). This variant is not present in population databases (gnomAD no frequency). This missense change has been observed in individual(s) with GAMT deficiency (PMID: 15108290). In at least one individual the data is consistent with being in trans (on the opposite chromosome) from a pathogenic variant. Advanced modeling of protein sequence and biophysical properties (such as structural, functional, and spatial information, amino acid conservation, physicochemical variation, residue mobility, and thermodynamic stability) has been performed at Invitae for this missense variant, however the output from this modeling did not meet the statistical confidence thresholds required to predict the impact of this variant on GAMT protein function. Experimental studies have shown that this missense change affects GAMT function (PMID: 24415674). In summary, the available evidence is currently insufficient to determine the role of this variant in disease. Therefore, it has been classified as a Variant of Uncertain Significance.

Literature cited by the submitters: PubMed 24415674 (cited by ClinGen Cerebral Creatine Deficiency Syndromes Variant Curation Expert Panel, ClinGen and Labcorp Genetics (formerly Invitae), Labcorp); PubMed 15108290 (cited by Labcorp Genetics (formerly Invitae), Labcorp).

NM_000156.6(GAMT):c.152A>C (p.His51Pro)

Genes: GAMT (guanidinoacetate N-methyltransferase; minus strand), LOC130062945 (ATAC-STARR-seq lymphoblastoid silent region 9707; plus strand). Cytogenetic location: 19p13.3.
Variant type: single nucleotide variant.
Coding change: c.152A>C on transcript NM_000156.6 (MANE Select); coding-DNA position 152, A replaced by C.
Protein change: p.His51Pro; replaces histidine 51 with proline.
Molecular consequence: missense variant.
Genome position (GRCh38, 1-based): chr19:1,401,325, T>G on the plus strand (A>C on the coding strand, the complement: GAMT is on the minus strand). VCF-style: chr19-1401325-T-G. GRCh37 (hg19) VCF-style: chr19-1401324-T-G.
Other names: NM_138924.3:c.152A>C; c.152A>C, p.His51Pro (NM_138924.3); short protein forms H51P.
Identifiers: ClinVar variation 2138184 (VCV002138184.3), dbSNP rs1473896815, ClinGen allele CA402998053.